The following is an entry in ClinVar:

NM_198253.3(TERT):c.2130+1G>A

Gene: TERT (telomerase reverse transcriptase; minus strand). Cytogenetic location: 5p15.33.
Variant type: single nucleotide variant.
Coding change: c.2130+1G>A on transcript NM_198253.3 (MANE Select); the canonical splice donor site of the intron after coding-DNA position 2130, G replaced by A.
Molecular consequence: splice donor variant.
Genome position (GRCh38, 1-based): chr5:1,279,290, C>T on the plus strand (G>A on the coding strand, the complement: TERT is on the minus strand). VCF-style: chr5-1279290-C-T. GRCh37 (hg19) VCF-style: chr5-1279405-C-T.
Other names: c.2130+1G>A (NM_001193376.3).
Identifiers: ClinVar variation 2952013 (VCV002952013.4), dbSNP rs1749840545, ClinGen allele CA359079909.
Genomic context (GRCh38, chr5:1,279,290, plus strand): 5'-CCAATCAGGCAGCCACTCCCAAGGTCCAGCAGGGCTGCTCACGGGGGTCCCCGGCACCCA[C>T]CTTGACAAAGTACAGCTCAGGCGGCGGGTCCTGGGCCCGCACACGCAGCACGAAGGTGCG-3'

ClinVar aggregate classification (germline): Likely pathogenic. Review status: criteria provided, multiple submitters, no conflicts (2 of 4 stars). 2 submissions from 2 submitters: Likely pathogenic (2). Last evaluated 2024-12-16.

Conditions:
Dyskeratosis congenita, autosomal dominant 2. Identifiers: MedGen C3151443, MONDO:0013521, OMIM 613989.
Idiopathic Pulmonary Fibrosis. Also called: Idiopathic fibrosing alveolitis, chronic form; idiopathic fibrosing alveolitis. Identifiers: Orphanet 2032, MedGen C1800706, MeSH D054990, MONDO:0800504.

Submissions (2):

GeneDx
Classification: Likely pathogenic. Last evaluated: 2024-12-16. Review status: criteria provided, single submitter. Criteria: GeneDx Variant Classification Process June 2021. Collection method: clinical testing. Allele origin: germline. Affected: yes.
Comment: Canonical splice site variant predicted to result in an in-frame loss of the adjacent exon in a gene for which loss of function is a known mechanism of disease; Not observed at significant frequency in large population cohorts (gnomAD); Has not been previously published as pathogenic or benign to our knowledge

Labcorp Genetics (formerly Invitae), Labcorp
Classification: Likely pathogenic for Dyskeratosis congenita, autosomal dominant 2; Idiopathic Pulmonary Fibrosis. Last evaluated: 2023-09-17. Review status: criteria provided, single submitter. Criteria: Invitae Variant Classification Sherloc (09022015). Collection method: clinical testing. Allele origin: germline.
Comment: In summary, the currently available evidence indicates that the variant is pathogenic, but additional data are needed to prove that conclusively. Therefore, this variant has been classified as Likely Pathogenic. Algorithms developed to predict the effect of sequence changes on RNA splicing suggest that this variant may disrupt the consensus splice site. This variant has not been reported in the literature in individuals affected with TERT-related conditions. This variant is not present in population databases (gnomAD no frequency). This sequence change affects a donor splice site in intron 5 of the TERT gene. It is expected to disrupt RNA splicing. Variants that disrupt the donor or acceptor splice site typically lead to a loss of protein function (PMID: 16199547), and loss-of-function variants in TERT are known to be pathogenic (PMID: 16247010, 17460043).

Literature cited by the submitters: PubMed 16199547 (cited by Labcorp Genetics (formerly Invitae), Labcorp); PubMed 16247010 (cited by Labcorp Genetics (formerly Invitae), Labcorp); PubMed 17460043 (cited by Labcorp Genetics (formerly Invitae), Labcorp).